The following is an entry in ClinVar:

NC_000001.10:g.(?_74808506)_(74808883_?)dup

Genes: FPGT-TNNI3K (FPGT-TNNI3K readthrough; plus strand), TNNI3K (TNNI3 interacting kinase; plus strand). Cytogenetic location: 1p31.1.
Variant type: Duplication.
Identifiers: ClinVar variation 2426256 (VCV002426256.4).

ClinVar aggregate classification (germline): Uncertain significance (1 of 4 stars; one submission).

Submission:

Labcorp Genetics (formerly Invitae), Labcorp
Classification: Uncertain significance. Last evaluated: 2023-03-07. Review status: criteria provided, single submitter. Criteria: Invitae Variant Classification Sherloc (09022015). Collection method: clinical testing. Allele origin: germline.
Comment: In summary, the available evidence is currently insufficient to determine the role of this variant in disease. Therefore, it has been classified as a Variant of Uncertain Significance. This variant has not been reported in the literature in individuals affected with TNNI3K-related conditions. This variant results in a copy number gain of the genomic region encompassing exon(s) 8-9 of the TNNI3K gene. While the exact position of this variant cannot be determined from the data, sub-genic copy number gains are generally in tandem (PMID: 25640679). This variant is predicted to be out-of-frame, and may result in an absent or disrupted protein product. However, the current clinical and genetic evidence is not sufficient to establish whether loss-of-function variants in TNNI3K cause disease.

Literature cited by the submitters: PubMed 25640679.